The following is an entry in ClinVar:

ClinVar aggregate classification (germline): Likely pathogenic (1 of 4 stars; one submission).

Conditions:
Niemann-Pick disease, type C1. Also called: NEUROVISCERAL STORAGE DISEASE WITH VERTICAL SUPRANUCLEAR OPHTHALMOPLEGIA; NIEMANN-PICK DISEASE WITH CHOLESTEROL ESTERIFICATION BLOCK; NIEMANN-PICK DISEASE WITHOUT SPHINGOMYELINASE DEFICIENCY; NIEMANN-PICK DISEASE, CHRONIC NEURONOPATHIC FORM; NIEMANN-PICK DISEASE, VARIANT TYPE C1. Identifiers: Orphanet 646, MedGen C3179455, MONDO:0009757, OMIM 257220.

Submission:

Myriad Genetics, Inc.
Classification: Likely pathogenic for Niemann-Pick disease, type C1. Last evaluated: 2022-05-04. Review status: criteria provided, single submitter. Criteria: Myriad Women's Health Autosomal Recessive and X-Linked Classification Criteria (2021). Collection method: clinical testing. Allele origin: unknown.
Comment: NM_000271.4(NPC1):c.1182C>A(Y394*) is expected to be pathogenic in the context of Niemann-Pick disease type C1. This variant is predicted to lead to an abnormal or absent protein product due to the creation of a premature termination codon in NPC1, a gene where loss-of-function variants are known to be pathogenic. Please note: this variant was assessed in the context of healthy population screening.

NM_000271.5(NPC1):c.1182C>A (p.Tyr394Ter)

Gene: NPC1 (NPC intracellular cholesterol transporter 1; minus strand). Cytogenetic location: 18q11.2.
Variant type: single nucleotide variant.
Coding change: c.1182C>A on transcript NM_000271.5 (MANE Select); coding-DNA position 1182, C replaced by A.
Protein change: p.Tyr394Ter; replaces tyrosine 394 with a stop codon.
Molecular consequence: nonsense.
Genome position (GRCh38, 1-based): chr18:23,556,387, G>T on the plus strand (C>A on the coding strand, the complement: NPC1 is on the minus strand). VCF-style: chr18-23556387-G-T. GRCh37 (hg19) VCF-style: chr18-21136351-G-T.
Other names: short protein forms Y394*.
Identifiers: ClinVar variation 1726005 (VCV001726005.2), dbSNP rs2511283263, ClinGen allele CA401777856.
Genomic context (GRCh38, chr18:23,556,387, plus strand): 5'-GAGAGGGGCCCGGATGATGAGCTGCTCCGTCCGGAAGAAAGGCCCAAAGTGCTGGTCAAA[G>T]TACTCTTTTTCCAGGCGAGCCTGGCTGCTGGGGGCTGACCAGAGGTCAACTGGATTGGTT-3'